The following is an entry in ClinVar:

NM_032043.3(BRIP1):c.1623T>G (p.Asn541Lys)

Gene: BRIP1 (BRCA1 interacting DNA helicase 1; minus strand). Cytogenetic location: 17q23.2.
Variant type: single nucleotide variant.
Coding change: c.1623T>G on transcript NM_032043.3 (MANE Select); coding-DNA position 1623, T replaced by G.
Protein change: p.Asn541Lys; replaces asparagine 541 with lysine.
Molecular consequence: missense variant.
Genome position (GRCh38, 1-based): chr17:61,784,275, A>C on the plus strand (T>G on the coding strand, the complement: BRIP1 is on the minus strand). VCF-style: chr17-61784275-A-C. GRCh37 (hg19) VCF-style: chr17-59861636-A-C.
Other names: short protein forms N541K.
Identifiers: ClinVar variation 1423137 (VCV001423137.9), dbSNP rs786203897, ClinGen allele CA400480877.

ClinVar aggregate classification (germline): Uncertain significance (1 of 4 stars; one submission).

Conditions:
Familial cancer of breast. Also called: BREAST CANCER, FAMILIAL; hereditary breast carcinoma; Hereditary breast cancer. Identifiers: Orphanet 227535, MedGen C0346153, MONDO:0016419, OMIM 114480. Disease mechanism: loss of function.
Fanconi anemia complementation group J. Also called: BRIP1-Related Fanconi Anemia. Identifiers: Orphanet 84, MedGen C1836860, MONDO:0012187, OMIM 609054.

Submission:

Labcorp Genetics (formerly Invitae), Labcorp
Classification: Uncertain significance for Familial cancer of breast; Fanconi anemia complementation group J. Last evaluated: 2022-10-03. Review status: criteria provided, single submitter. Criteria: Invitae Variant Classification Sherloc (09022015). Collection method: clinical testing. Allele origin: germline.
Comment: This sequence change replaces asparagine, which is neutral and polar, with lysine, which is basic and polar, at codon 541 of the BRIP1 protein (p.Asn541Lys). This variant is not present in population databases (gnomAD no frequency). This variant has not been reported in the literature in individuals affected with BRIP1-related conditions. ClinVar contains an entry for this variant (Variation ID: 1423137). Advanced modeling of protein sequence and biophysical properties (such as structural, functional, and spatial information, amino acid conservation, physicochemical variation, residue mobility, and thermodynamic stability) performed at Invitae indicates that this missense variant is not expected to disrupt BRIP1 protein function. In summary, the available evidence is currently insufficient to determine the role of this variant in disease. Therefore, it has been classified as a Variant of Uncertain Significance.